The following is an entry in ClinVar:

NM_001349253.2(SCN11A):c.4230G>A (p.Thr1410=)

Gene: SCN11A (sodium voltage-gated channel alpha subunit 11; minus strand). Cytogenetic location: 3p22.2.
Variant type: single nucleotide variant.
Coding change: c.4230G>A on transcript NM_001349253.2 (MANE Select); coding-DNA position 4230, G replaced by A.
Protein change: p.Thr1410=; no amino-acid change (threonine 1410 retained).
Molecular consequence: synonymous variant.
Genome position (GRCh38, 1-based): chr3:38,850,578, C>T on the plus strand (G>A on the coding strand, the complement: SCN11A is on the minus strand). VCF-style: chr3-38850578-C-T. GRCh37 (hg19) VCF-style: chr3-38892069-C-T.
Other names: p.Thr1410=; c.4230G>A, p.Thr1410= (NM_014139.3).
Identifiers: ClinVar variation 474725 (VCV000474725.51), dbSNP rs78953918, ClinGen allele CA2321569.

ClinVar aggregate classification (germline): Benign/Likely benign. Review status: criteria provided, multiple submitters, no conflicts (2 of 4 stars). 9 submissions from 9 submitters: Benign (3); Likely benign (4). 2 of the submissions do not count toward it. Last evaluated 2026-09-01.

Conditions:
Inborn genetic diseases. Identifiers: MedGen C0950123, MeSH D030342.
Hereditary sensory and autonomic neuropathy type 7. Also called: Neuropathy, hereditary sensory and autonomic, type VII; HSAN VII. Identifiers: Orphanet 391397, MedGen C3809882, MONDO:0014244, OMIM 615548.
Familial episodic pain syndrome with predominantly lower limb involvement. Also called: Episodic pain syndrome, familial, 3. Identifiers: Orphanet 391384, Orphanet 391392, MedGen C3809899, MONDO:0014247, OMIM 615552.

Allele frequency attached by ClinVar (database versions not stated): 1000 Genomes Project 30x 0.00250; 1000 Genomes Project 0.00260; TOPMed 0.00371; gnomAD 0.00480 and 0.00487; ESP Exome Variant Server 0.00492; ExAC 0.00564; gnomAD exomes 0.00564 and 0.00613.
gnomAD v4.1: 8,987 of 1,613,782 alleles (0.56%); highest among the groups gnomAD compares: Middle Eastern, 0.81%; 48 homozygotes.

Submissions (9):

CeGaT Center for Human Genetics Tuebingen
Classification: Benign. Last evaluated: 2026-09-01. Review status: criteria provided, single submitter. Criteria: CeGaT Center For Human Genetics Tuebingen Variant Classification Criteria Version 2. Collection method: clinical testing. Allele origin: germline. Affected: yes. Observed: 18 variant alleles.
Comment: SCN11A: BP4, BP7, BS1, BS2

Labcorp Genetics (formerly Invitae), Labcorp
Classification: Benign for Familial episodic pain syndrome with predominantly lower limb involvement; Hereditary sensory and autonomic neuropathy type 7. Last evaluated: 2026-01-27. Review status: criteria provided, single submitter. Criteria: Invitae Variant Classification Sherloc (09022015). Collection method: clinical testing. Allele origin: germline.

Mayo Clinic Laboratories, Mayo Clinic
Classification: Benign. Last evaluated: 2022-05-26. Review status: criteria provided, single submitter. Criteria: ACMG Guidelines, 2015. Collection method: clinical testing. Allele origin: germline. Observed: 18 variant alleles.

Fulgent Genetics
Classification: Likely benign for Hereditary sensory and autonomic neuropathy type 7; Familial episodic pain syndrome with predominantly lower limb involvement. Last evaluated: 2021-09-13. Review status: criteria provided, single submitter. Criteria: ACMG Guidelines, 2015. Collection method: clinical testing. Allele origin: unknown.

GeneDx
Classification: Likely benign. Last evaluated: 2020-10-23. Review status: criteria provided, single submitter. Criteria: GeneDx Variant Classification Process June 2021. Collection method: clinical testing. Allele origin: germline. Affected: yes.

Ambry Genetics
Classification: Likely benign for Inborn genetic diseases. Last evaluated: 2019-07-11. Review status: criteria provided, single submitter. Criteria: Ambry Variant Classification Scheme 2023. Collection method: clinical testing. Allele origin: germline.

Breakthrough Genomics
Classification: Likely benign. Review status: criteria provided, single submitter. Criteria: ACMG Guidelines, 2015. Collection method: not provided. Allele origin: germline. Inheritance: Autosomal dominant inheritance. Affected: yes.

Clinical Genetics, Academic Medical Center
Classification: Benign. Review status: no assertion criteria provided. Collection method: clinical testing. Allele origin: germline. Affected: yes. Study: VKGL Data-share Consensus. Not counted in ClinVar's aggregate classification.

Joint Genome Diagnostic Labs from Nijmegen and Maastricht, Radboudumc and MUMC+
Classification: Benign. Review status: no assertion criteria provided. Collection method: clinical testing. Allele origin: germline. Affected: yes. Study: VKGL Data-share Consensus. Not counted in ClinVar's aggregate classification.